The following is an entry in ClinVar:

NM_001037.5(SCN1B):c.420G>C (p.Lys140Asn)

Gene: SCN1B (sodium voltage-gated channel beta subunit 1; plus strand). Cytogenetic location: 19q13.11.
Variant type: single nucleotide variant.
Coding change: c.420G>C on transcript NM_001037.5 (MANE Select); coding-DNA position 420, G replaced by C.
Protein change: p.Lys140Asn; replaces lysine 140 with asparagine.
Molecular consequence: missense variant.
Genome position (GRCh38, 1-based): chr19:35,033,711, G>C. VCF-style: chr19-35033711-G-C. GRCh37 (hg19) VCF-style: chr19-35524615-G-C.
Other names: c.321G>C, p.Lys107Asn (NM_001321605.2); c.420G>C, p.Lys140Asn (NM_199037.5); short protein forms K140N, K107N.
Identifiers: ClinVar variation 1523812 (VCV001523812.6), dbSNP rs2151746501, ClinGen allele CA405329004.

ClinVar aggregate classification (germline): Uncertain significance (1 of 4 stars; one submission).

Conditions:
Brugada syndrome 5 (BRGDA5). Identifiers: Orphanet 130, Orphanet 871, MedGen C2748541, MONDO:0013015, OMIM 612838.

Submission:

Labcorp Genetics (formerly Invitae), Labcorp
Classification: Uncertain significance for Brugada syndrome 5. Last evaluated: 2021-10-09. Review status: criteria provided, single submitter. Criteria: Invitae Variant Classification Sherloc (09022015). Collection method: clinical testing. Allele origin: germline.
Comment: Algorithms developed to predict the effect of missense changes on protein structure and function are either unavailable or do not agree on the potential impact of this missense change (SIFT: "Deleterious"; PolyPhen-2: "Probably Damaging"; Align-GVGD: "Class C0"). In summary, the available evidence is currently insufficient to determine the role of this variant in disease. Therefore, it has been classified as a Variant of Uncertain Significance. This variant has not been reported in the literature in individuals affected with SCN1B-related conditions. This sequence change replaces lysine with asparagine at codon 140 of the SCN1B protein (p.Lys140Asn). The lysine residue is highly conserved and there is a moderate physicochemical difference between lysine and asparagine. This variant is not present in population databases (ExAC no frequency).